The following is an entry in ClinVar:

NC_000012.11:g.(6184718_6204625)_(6204751_6219539)del

Gene: VWF (von Willebrand factor; minus strand). Cytogenetic location: 12p13.31.
Variant type: Deletion.
Identifiers: ClinVar variation 1065236 (VCV001065236.3).

ClinVar aggregate classification (germline): Pathogenic (0 of 4 stars; one submission).

Conditions:
von Willebrand disease type 3 (VWD3). Also called: Type 3 Von Willebrand's disease; Type 3 VWD; Von Willebrand disease, severe form; V WD3; VON WILLEBRAND DISEASE, TYPE III. Identifiers: Orphanet 166096, MedGen C1264041, MONDO:0010191, OMIM 277480.

Submission:

Angelo Bianchi Bonomi Hemophilia and Thrombosis Center, Fondazione IRCCS Ca Granda Ospedale Maggiore Policlinico
Classification: Pathogenic for von Willebrand disease type 3. Last evaluated: 2021-04-12. Review status: no assertion criteria provided. Collection method: clinical testing. Allele origin: germline. Affected: yes. Study: Type 3 Von Willebrand International Registries Inhibitor Prospective Study (3WINTERS-IPS).
Comment: CNV Interpretation Scoring Rubric: Copy Number LOSS

Literature cited by the submitters: PubMed 21410641.